The following is an entry in ClinVar:

ClinVar aggregate classification (germline): Likely benign (1 of 4 stars; one submission).

Submission:

CeGaT Center for Human Genetics Tuebingen
Classification: Likely benign. Last evaluated: 2022-12-01. Review status: criteria provided, single submitter. Criteria: CeGaT Center For Human Genetics Tuebingen Variant Classification Criteria Version 2. Collection method: clinical testing. Allele origin: germline. Affected: yes. Observed: 1 variant allele.
Comment: MUC12: BP4, BP7

NM_001164462.2(MUC12):c.12486G>A (p.Thr4162=)

Gene: MUC12 (mucin 12, cell surface associated; plus strand). Cytogenetic location: 7q22.1.
Variant type: single nucleotide variant.
Coding change: c.12486G>A on transcript NM_001164462.2 (MANE Select); coding-DNA position 12486, G replaced by A.
Protein change: p.Thr4162=; no amino-acid change (threonine 4162 retained).
Molecular consequence: synonymous variant.
Genome position (GRCh38, 1-based): chr7:101,003,049, G>A. VCF-style: chr7-101003049-G-A. GRCh37 (hg19) VCF-style: chr7-100646330-G-A.
Identifiers: ClinVar variation 2657820 (VCV002657820.24), dbSNP rs1325835620, ClinGen allele CA456914940.